The following is an entry in ClinVar:

ClinVar aggregate classification (germline): Likely pathogenic. Review status: criteria provided, single submitter (1 of 4 stars). 2 submissions from 2 submitters: Likely pathogenic (1). 1 of the submissions does not count toward it. Last evaluated 2019-10-18.

Conditions:
Dyschromatosis universalis hereditaria 1 (DUH1). Identifiers: MedGen C2675711, MONDO:0024524, OMIM 127500.

Submissions (2):

SIB Swiss Institute of Bioinformatics
Classification: Likely pathogenic for Dyschromatosis universalis hereditaria 1. Last evaluated: 2019-10-18. Review status: criteria provided, single submitter. Criteria: ACMG Guidelines, 2015. Collection method: curation. Allele origin: unknown.
Comment: This variant is interpreted as Likely pathogenic for Dyschromatosis universalis hereditaria 1, autosomal dominant. The following ACMG Tag(s) were applied: PM2, PP3, PS3.

OMIM
Classification: Pathogenic for DYSCHROMATOSIS UNIVERSALIS HEREDITARIA 1. Last evaluated: 2019-03-29. Review status: no assertion criteria provided. Collection method: literature only. Allele origin: germline. Not counted in ClinVar's aggregate classification.

Literature cited by the submitters: PubMed 23333244 (cited by SIB Swiss Institute of Bioinformatics and OMIM); PubMed 27885802 (cited by SIB Swiss Institute of Bioinformatics and OMIM).

NM_015278.5(SASH1):c.1544T>C (p.Leu515Pro)

Gene: SASH1 (SAM and SH3 domain containing 1; plus strand). Cytogenetic location: 6q25.1.
Variant type: single nucleotide variant.
Coding change: c.1544T>C on transcript NM_015278.5 (MANE Select); coding-DNA position 1544, T replaced by C.
Protein change: p.Leu515Pro; replaces leucine 515 with proline.
Molecular consequence: missense variant.
Genome position (GRCh38, 1-based): chr6:148,531,641, T>C. VCF-style: chr6-148531641-T-C. GRCh37 (hg19) VCF-style: chr6-148852777-T-C.
Other names: c.1409T>C, p.Leu470Pro (NM_001346505.2); c.1172T>C, p.Leu391Pro (NM_001346506.2); c.827T>C, p.Leu276Pro (NM_001346507.2); c.1316T>C, p.Leu439Pro (NM_001346508.2); c.1193T>C, p.Leu398Pro (NM_001346509.2); short protein forms L515P, L398P, L276P, L470P, L391P, L439P.
Identifiers: ClinVar variation 624626 (VCV000624626.2), dbSNP rs1562489224, ClinGen allele CA365987436.